The following is an entry in ClinVar:

NM_003803.4(MYOM1):c.4799C>T (p.Pro1600Leu)

Gene: MYOM1 (myomesin 1; minus strand). Cytogenetic location: 18p11.31.
Variant type: single nucleotide variant.
Coding change: c.4799C>T on transcript NM_003803.4 (MANE Select); coding-DNA position 4799, C replaced by T.
Protein change: p.Pro1600Leu; replaces proline 1600 with leucine.
Molecular consequence: missense variant.
Genome position (GRCh38, 1-based): chr18:3,067,521, G>A on the plus strand (C>T on the coding strand, the complement: MYOM1 is on the minus strand). VCF-style: chr18-3067521-G-A. GRCh37 (hg19) VCF-style: chr18-3067519-G-A.
Other names: c.4511C>T, p.Pro1504Leu (NM_019856.2); short protein forms P1600L, P1504L.
Identifiers: ClinVar variation 222746 (VCV000222746.15), dbSNP rs372260768, ClinGen allele CA075600.
Genomic context (GRCh38, chr18:3,067,521, plus strand): 5'-TTGCAGTGGTCGTCTGAGGCCAGGGCCTTCTCGTTCTTCAACCACGACACCTCCGGAGGC[G>A]GGTCTCCCCACACGTTGCAAGTGAGATTAAGGGCCTGCAAGACAGGTTTTATGGGAGAGA-3'
Protein context (NP_003794.3, residues 1590-1610): LNLTCNVWGD[Pro1600Leu]PPEVSWLKNE

ClinVar aggregate classification (germline): Uncertain significance. Review status: criteria provided, multiple submitters, no conflicts (2 of 4 stars). 3 submissions from 3 submitters: Uncertain significance (3). Last evaluated 2025-08-12.

Conditions:
Hypertrophic cardiomyopathy. Also called: HYPERTROPHIC MYOCARDIOPATHY. Identifiers: Orphanet 217569, MedGen C0007194, MeSH D002312, MONDO:0005045, HP:0001639.

Allele frequency attached by ClinVar (database versions not stated): gnomAD 0.00003 and 0.00004; TOPMed 0.00005; ExAC 0.00007; gnomAD exomes 0.00007 and 0.00012; ESP Exome Variant Server 0.00016.
gnomAD v4.1: 177 of 1,613,768 alleles (0.011%); highest among the groups gnomAD compares: Non-Finnish European, 0.015%; no homozygotes.

Submissions (3):

Labcorp Genetics (formerly Invitae), Labcorp
Classification: Uncertain significance for Hypertrophic cardiomyopathy. Last evaluated: 2025-08-12. Review status: criteria provided, single submitter. Criteria: Invitae Variant Classification Sherloc (09022015). Collection method: clinical testing. Allele origin: germline.
Comment: This sequence change replaces proline, which is neutral and non-polar, with leucine, which is neutral and non-polar, at codon 1600 of the MYOM1 protein (p.Pro1600Leu). This variant is present in population databases (rs372260768, gnomAD 0.01%). This variant has not been reported in the literature in individuals affected with MYOM1-related conditions. ClinVar contains an entry for this variant (Variation ID: 222746). Invitae Evidence Modeling of protein sequence and biophysical properties (such as structural, functional, and spatial information, amino acid conservation, physicochemical variation, residue mobility, and thermodynamic stability) has been performed for this missense variant. However, the output from this modeling did not meet the statistical confidence thresholds required to predict the impact of this variant on MYOM1 protein function. In summary, the available evidence is currently insufficient to determine the role of this variant in disease. Therefore, it has been classified as a Variant of Uncertain Significance.

Ambry Genetics
Classification: Uncertain significance. Last evaluated: 2024-03-24. Review status: criteria provided, single submitter. Criteria: Ambry Variant Classification Scheme 2023. Collection method: clinical testing. Allele origin: germline.
Comment: The p.P1600L variant (also known as c.4799C>T), located in coding exon 37 of the MYOM1 gene, results from a C to T substitution at nucleotide position 4799. The proline at codon 1600 is replaced by leucine, an amino acid with similar properties. This amino acid position is conserved. In addition, this alteration is predicted to be deleterious by in silico analysis. Since supporting evidence is limited at this time, the clinical significance of this alteration remains unclear.

Blueprint Genetics
Classification: Uncertain significance. Last evaluated: 2023-07-25. Review status: criteria provided, single submitter. Criteria: ACMG Guidelines, 2015. Collection method: clinical testing. Allele origin: germline.